The following is an entry in ClinVar:

ClinVar aggregate classification (germline): Uncertain significance (1 of 4 stars; one submission).

Conditions:
Familial adenomatous polyposis 1 (FAP1). Also called: FAMILIAL ADENOMATOUS POLYPOSIS 1, ATTENUATED; POLYPOSIS, ADENOMATOUS INTESTINAL. Identifiers: MedGen C2713442, MONDO:0021056, OMIM 175100. Disease mechanism: loss of function.

Submission:

Labcorp Genetics (formerly Invitae), Labcorp
Classification: Uncertain significance for Familial adenomatous polyposis 1. Last evaluated: 2025-11-14. Review status: criteria provided, single submitter. Criteria: Invitae Variant Classification Sherloc (09022015). Collection method: clinical testing. Allele origin: germline.
Comment: This variant occurs in a non-coding region of the APC gene. It does not change the encoded amino acid sequence of the APC protein. This variant is not present in population databases (gnomAD no frequency). This variant has not been reported in the literature in individuals affected with APC-related conditions. In summary, the available evidence is currently insufficient to determine the role of this variant in disease. Therefore, it has been classified as a Variant of Uncertain Significance.

NC_000005.10:g.112707496G>A

Genes: APC (APC regulator of Wnt signaling pathway; plus strand), LOC129994371 (ATAC-STARR-seq lymphoblastoid active region 22910; plus strand). Cytogenetic location: 5q22.2.
Variant type: single nucleotide variant.
Genome position: GRCh38 VCF-style: chr5-112707496-G-A. GRCh37 (hg19) VCF-style: chr5-112043193-G-A.
Identifiers: ClinVar variation 2901177 (VCV002901177.3), dbSNP rs2531734341, ClinGen allele CA2739274982.